The following is an entry in ClinVar:

NM_001277115.2(DNAH11):c.2918T>C (p.Val973Ala)

Gene: DNAH11 (dynein axonemal heavy chain 11; plus strand). Cytogenetic location: 7p15.3.
Variant type: single nucleotide variant.
Coding change: c.2918T>C on transcript NM_001277115.2 (MANE Select); coding-DNA position 2918, T replaced by C.
Protein change: p.Val973Ala; replaces valine 973 with alanine.
Molecular consequence: missense variant.
Genome position (GRCh38, 1-based): chr7:21,600,037, T>C. VCF-style: chr7-21600037-T-C. GRCh37 (hg19) VCF-style: chr7-21639655-T-C.
Other names: short protein forms V973A.
Identifiers: ClinVar variation 853929 (VCV000853929.18), dbSNP rs1785015935, ClinGen allele CA366944693.
Genomic context (GRCh38, chr7:21,600,037, plus strand): 5'-CTGAGATTGTGTTTAAACCTTCCCTAGACAGAGAGGCTGGGGATGGCTTCTATGATCTTG[T>C]AGAAGAAATGTTATGCAATAGTTTTAGAATGTCTGCCCAGATGAACCGAATAGCAACACA-3'
Protein context (NP_001264044.1, residues 963-983): REAGDGFYDL[Val973Ala]EEMLCNSFRM

ClinVar aggregate classification (germline): Uncertain significance (1 of 4 stars; one submission).

Conditions:
Primary ciliary dyskinesia. Also called: Ciliary dyskinesia. Identifiers: Orphanet 244, MedGen C0008780, MONDO:0016575, HP:0012265.

Allele frequency attached by ClinVar (database versions not stated): gnomAD exomes 0.00001.
gnomAD v4.1: 3 of 1,611,504 alleles (0.00019%); highest among the groups gnomAD compares: Non-Finnish European, 0.00025%; no homozygotes.

Submission:

Labcorp Genetics (formerly Invitae), Labcorp
Classification: Uncertain significance for Primary ciliary dyskinesia. Last evaluated: 2024-11-11. Review status: criteria provided, single submitter. Criteria: Invitae Variant Classification Sherloc (09022015). Collection method: clinical testing. Allele origin: germline.
Comment: This sequence change replaces valine, which is neutral and non-polar, with alanine, which is neutral and non-polar, at codon 973 of the DNAH11 protein (p.Val973Ala). This variant is not present in population databases (gnomAD no frequency). This variant has not been reported in the literature in individuals affected with DNAH11-related conditions. ClinVar contains an entry for this variant (Variation ID: 853929). Invitae Evidence Modeling of protein sequence and biophysical properties (such as structural, functional, and spatial information, amino acid conservation, physicochemical variation, residue mobility, and thermodynamic stability) indicates that this missense variant is not expected to disrupt DNAH11 protein function with a negative predictive value of 95%. In summary, the available evidence is currently insufficient to determine the role of this variant in disease. Therefore, it has been classified as a Variant of Uncertain Significance.